The following is an entry in ClinVar:

ClinVar aggregate classification (germline): Benign. Review status: criteria provided, multiple submitters, no conflicts (2 of 4 stars). 3 submissions from 3 submitters: Benign (3). Last evaluated 2024-07-15.

Allele frequency attached by ClinVar (database versions not stated): TOPMed 0.21299; gnomAD 0.23313 and 0.23545.
gnomAD v4.1: 457,719 of 1,544,868 alleles (30%); highest among the groups gnomAD compares: Non-Finnish European, 33%; 73,515 homozygotes.

Submissions (3):

Unidad de Genómica Garrahan, Hospital de Pediatría Garrahan
Classification: Benign. Last evaluated: 2024-07-15. Review status: criteria provided, single submitter. Criteria: ACMG Guidelines, 2015. Collection method: clinical testing. Allele origin: germline. Affected: no. Observed: 40 variant alleles.
Comment: This variant is classified as Benign based on local population frequency. This variant was detected in 43% of patients studied in a panel designed for Epileptic and Developmental Encephalopathy and Progressive Myoclonus Epilepsy. Number of patients: 40. Only high quality variants are reported.

GeneDx
Classification: Benign. Last evaluated: 2018-06-18. Review status: criteria provided, single submitter. Criteria: GeneDx Variant Classification (06012015). Collection method: clinical testing. Allele origin: germline. Affected: yes.
Comment: This variant is considered likely benign or benign based on one or more of the following criteria: it is a conservative change, it occurs at a poorly conserved position in the protein, it is predicted to be benign by multiple in silico algorithms, and/or has population frequency not consistent with disease.

Breakthrough Genomics
Classification: Benign. Review status: criteria provided, single submitter. Criteria: ACMG Guidelines, 2015. Collection method: not provided. Allele origin: germline. Inheritance: Autosomal recessive inheritance. Affected: yes.

NM_007327.4(GRIN1):c.672-80A>G

Gene: GRIN1 (glutamate ionotropic receptor NMDA type subunit 1; plus strand). Cytogenetic location: 9q34.3.
Variant type: single nucleotide variant.
Coding change: c.672-80A>G on transcript NM_007327.4 (MANE Select); 80 bases into the intron before coding-DNA position 672, A replaced by G.
Molecular consequence: intron variant.
Genome position (GRCh38, 1-based): chr9:137,156,589, A>G. VCF-style: chr9-137156589-A-G. GRCh37 (hg19) VCF-style: chr9-140051041-A-G.
Other names: c.735-80A>G (NM_001185090.2, NM_001185091.2); c.672-80A>G (NM_021569.4, NM_000832.7).
Identifiers: ClinVar variation 681802 (VCV000681802.4), dbSNP rs28687864, ClinGen allele CA13004658.